The following is an entry in ClinVar:

NM_000553.6(WRN):c.1338G>A (p.Met446Ile)

Gene: WRN (WRN RecQ like helicase; plus strand). Cytogenetic location: 8p12.
Variant type: single nucleotide variant.
Coding change: c.1338G>A on transcript NM_000553.6 (MANE Select); coding-DNA position 1338, G replaced by A.
Protein change: p.Met446Ile; replaces methionine 446 with isoleucine.
Molecular consequence: missense variant.
Genome position (GRCh38, 1-based): chr8:31,083,767, G>A. VCF-style: chr8-31083767-G-A. GRCh37 (hg19) VCF-style: chr8-30941283-G-A.
Other names: short protein forms M446I.
Identifiers: ClinVar variation 2995934 (VCV002995934.3), dbSNP rs2535916972, ClinGen allele CA370922862.

ClinVar aggregate classification (germline): Uncertain significance (1 of 4 stars; one submission).

Conditions:
Werner syndrome (WRN). Identifiers: Orphanet 902, MedGen C0043119, MONDO:0010196, OMIM 277700.

Submission:

Labcorp Genetics (formerly Invitae), Labcorp
Classification: Uncertain significance for Werner syndrome. Last evaluated: 2023-10-20. Review status: criteria provided, single submitter. Criteria: Invitae Variant Classification Sherloc (09022015). Collection method: clinical testing. Allele origin: germline.
Comment: This sequence change replaces methionine, which is neutral and non-polar, with isoleucine, which is neutral and non-polar, at codon 446 of the WRN protein (p.Met446Ile). This variant is not present in population databases (gnomAD no frequency). This variant has not been reported in the literature in individuals affected with WRN-related conditions. An algorithm developed to predict the effect of missense changes on protein structure and function (PolyPhen-2) suggests that this variant is likely to be tolerated. In summary, the available evidence is currently insufficient to determine the role of this variant in disease. Therefore, it has been classified as a Variant of Uncertain Significance.